The following is an entry in ClinVar:

ClinVar aggregate classification (germline): Uncertain significance (1 of 4 stars; one submission).

Submission:

Labcorp Genetics (formerly Invitae), Labcorp
Classification: Uncertain significance. Last evaluated: 2023-12-02. Review status: criteria provided, single submitter. Criteria: Invitae Variant Classification Sherloc (09022015). Collection method: clinical testing. Allele origin: germline.
Comment: This sequence change replaces tyrosine, which is neutral and polar, with histidine, which is basic and polar, at codon 2420 of the DNAH9 protein (p.Tyr2420His). This variant is not present in population databases (gnomAD no frequency). This variant has not been reported in the literature in individuals affected with DNAH9-related conditions. Advanced modeling of protein sequence and biophysical properties (such as structural, functional, and spatial information, amino acid conservation, physicochemical variation, residue mobility, and thermodynamic stability) has been performed at Invitae for this missense variant, however the output from this modeling did not meet the statistical confidence thresholds required to predict the impact of this variant on DNAH9 protein function. In summary, the available evidence is currently insufficient to determine the role of this variant in disease. Therefore, it has been classified as a Variant of Uncertain Significance.

NM_001372.4(DNAH9):c.7258T>C (p.Tyr2420His)

Gene: DNAH9 (dynein axonemal heavy chain 9; plus strand). Cytogenetic location: 17p12.
Variant type: single nucleotide variant.
Coding change: c.7258T>C on transcript NM_001372.4 (MANE Select); coding-DNA position 7258, T replaced by C.
Protein change: p.Tyr2420His; replaces tyrosine 2420 with histidine.
Molecular consequence: missense variant.
Genome position (GRCh38, 1-based): chr17:11,768,540, T>C. VCF-style: chr17-11768540-T-C. GRCh37 (hg19) VCF-style: chr17-11671857-T-C.
Other names: short protein forms Y2420H.
Identifiers: ClinVar variation 2700555 (VCV002700555.3), dbSNP rs2544602959, ClinGen allele CA398189021.